The following is an entry in ClinVar:

NM_032119.4(ADGRV1):c.10054-2A>C

Gene: ADGRV1 (adhesion G protein-coupled receptor V1; plus strand). Cytogenetic location: 5q14.3.
Variant type: single nucleotide variant.
Coding change: c.10054-2A>C on transcript NM_032119.4 (MANE Select); the canonical splice acceptor site of the intron before coding-DNA position 10054, A replaced by C.
Molecular consequence: splice acceptor variant.
Genome position (GRCh38, 1-based): chr5:90,725,547, A>C. VCF-style: chr5-90725547-A-C. GRCh37 (hg19) VCF-style: chr5-90021364-A-C.
Identifiers: ClinVar variation 1457389 (VCV001457389.6), dbSNP rs2149797551, ClinGen allele CA360403153.

ClinVar aggregate classification (germline): Pathogenic (1 of 4 stars; one submission).

Submission:

Labcorp Genetics (formerly Invitae), Labcorp
Classification: Pathogenic. Last evaluated: 2021-08-24. Review status: criteria provided, single submitter. Criteria: Invitae Variant Classification Sherloc (09022015). Collection method: clinical testing. Allele origin: germline.
Comment: Disruption of this splice site has been observed in individuals with ADGRV1-related conditions (PMID: 27460420; Invitae). Algorithms developed to predict the effect of sequence changes on RNA splicing suggest that this variant may disrupt the consensus splice site. For these reasons, this variant has been classified as Pathogenic. This variant is not present in population databases (ExAC no frequency). This sequence change affects an acceptor splice site in intron 47 of the ADGRV1 gene. It is expected to disrupt RNA splicing. Variants that disrupt the donor or acceptor splice site typically lead to a loss of protein function (PMID: 16199547), and loss-of-function variants in ADGRV1 are known to be pathogenic (PMID: 19357117, 22135276, 22147658, 26226137, 26667666, 30029497, 32467589).

Literature cited by the submitters: PubMed 27460420; PubMed 16199547; PubMed 19357117; PubMed 22135276; PubMed 22147658; PubMed 26226137; PubMed 26667666; PubMed 30029497; PubMed 32467589.